The following is an entry in ClinVar:

NM_007294.4(BRCA1):c.5523T>A (p.Ser1841Arg)

Gene: BRCA1 (BRCA1 DNA repair associated; minus strand). Cytogenetic location: 17q21.31.
Variant type: single nucleotide variant.
Coding change: c.5523T>A on transcript NM_007294.4 (MANE Select); coding-DNA position 5523, T replaced by A.
Protein change: p.Ser1841Arg; replaces serine 1841 with arginine.
Molecular consequence: missense variant. On other transcripts: 3 prime UTR variant (1), non-coding transcript variant (1).
Genome position (GRCh38, 1-based): chr17:43,045,747, A>T on the plus strand (T>A on the coding strand, the complement: BRCA1 is on the minus strand). VCF-style: chr17-43045747-A-T. GRCh37 (hg19) VCF-style: chr17-41197764-A-T.
Other names: c.5523T>A, p.Ser1841Arg (NM_001407605.1, NM_001407593.1, NM_001407594.1 and 5 more transcripts); c.5520T>A, p.Ser1840Arg (NM_001407610.1, NM_001407611.1, NM_001407612.1 and 14 more transcripts); c.5517T>A, p.Ser1839Arg (NM_001407628.1, NM_001407629.1, NM_001407630.1 and 13 more transcripts); c.5466T>A, p.Ser1822Arg (NM_001407648.1); c.5463T>A, p.Ser1821Arg (NM_001407649.1); c.5445T>A, p.Ser1815Arg (NM_001407652.1, NM_001407653.1, NM_001407654.1 and 1 more transcripts); c.5442T>A, p.Ser1814Arg (NM_001407656.1, NM_001407657.1, NM_001407658.1); c.5439T>A, p.Ser1813Arg (NM_001407659.1, NM_001407660.1, NM_001407661.1 and 2 more transcripts); and 74 more; short protein forms S1862R, S737R, S1794R, S1841R, S1545R, S1687R, S1712R, S1713R.
Identifiers: ClinVar variation 869005 (VCV000869005.3), dbSNP rs878854960, ClinGen allele CA10590273.

Conditions:
Breast-ovarian cancer, familial, susceptibility to, 1 (BROVCA1). Also called: BRCA1 Hereditary Breast and Ovarian Cancer; OVARIAN CANCER, SUSCEPTIBILITY TO. Identifiers: Orphanet 145, MedGen C2676676, MONDO:0011450, OMIM 604370. Disease mechanism: loss of function.

Submission:

Brotman Baty Institute, University of Washington
No classification provided (evidence only). Condition: Breast-ovarian cancer, familial 1. Review status: no classification provided. Collection method: in vitro. Allele origin: not applicable. Functional consequence: functionally_abnormal.
ClinVar note: "not provided" was previously submitted as the classification for the variant. However, the classification appeared to be based only on an observation of functional data so it was converted to no classification on 2025-07-30.